The following is an entry in ClinVar:

ClinVar aggregate classification (germline): Likely pathogenic (0 of 4 stars; one submission).

Conditions:
ATM-related disorder. Also called: ATM-related disorders; ATM-related condition.

Submission:

PreventionGenetics, part of Exact Sciences
Classification: Likely pathogenic for ATM-related condition. Last evaluated: 2024-08-30. Review status: no assertion criteria provided. Collection method: clinical testing. Allele origin: germline.
Comment: The ATM c.2839-1G>T variant is predicted to disrupt the AG splice acceptor site and interfere with normal splicing. This variant is predicted to alter splicing based on available splicing prediction programs (SpliceAI, Jaganathan et al. 2019. PubMed ID: 30661751). To our knowledge, this variant has not been reported in the literature or in gnomAD, indicating this variant is rare. This variant has not been reported in ClinVar. Variants that disrupt the consensus splice acceptor site in ATM are expected to be pathogenic. This variant is interpreted as likely pathogenic.

NM_000051.4(ATM):c.2839-1G>T

Gene: ATM (ATM serine/threonine kinase; plus strand). Cytogenetic location: 11q22.3.
Variant type: single nucleotide variant.
Coding change: c.2839-1G>T on transcript NM_000051.4 (MANE Select); the canonical splice acceptor site of the intron before coding-DNA position 2839, G replaced by T.
Molecular consequence: splice acceptor variant.
Genome position (GRCh38, 1-based): chr11:108,271,063, G>T. VCF-style: chr11-108271063-G-T. GRCh37 (hg19) VCF-style: chr11-108141790-G-T.
Other names: c.2839-1G>T (NM_001351834.2).
Identifiers: ClinVar variation 3345987 (VCV003345987.1).